The following is an entry in ClinVar:

NM_001365999.1(SZT2):c.3917G>A (p.Arg1306His)

Gene: SZT2 (SZT2 subunit of KICSTOR complex; plus strand). Cytogenetic location: 1p34.2.
Variant type: single nucleotide variant.
Coding change: c.3917G>A on transcript NM_001365999.1 (MANE Select); coding-DNA position 3917, G replaced by A.
Protein change: p.Arg1306His; replaces arginine 1306 with histidine.
Molecular consequence: missense variant.
Genome position (GRCh38, 1-based): chr1:43,428,116, G>A. VCF-style: chr1-43428116-G-A. GRCh37 (hg19) VCF-style: chr1-43893787-G-A.
Other names: c.3746G>A, p.Arg1249His (NM_015284.4); short protein forms R1249H, R1306H.
Identifiers: ClinVar variation 1052312 (VCV001052312.6), dbSNP rs749624486, ClinGen allele CA809137.
Genomic context (GRCh38, chr1:43,428,116, plus strand): 5'-ACAAGGAGGCAGCTAACCACTGTGCCCTGCTGCAGGAGCATGCACAGCGGTGCTATGTCC[G>A]TGGTGAGCAGGAGGGCCGTGGGAGGGAGGAGTGGGGCCCTGCGGGAGATACAGGGATTAC-3'
Protein context (NP_001352928.1, residues 1296-1316): LQEHAQRCYV[Arg1306His]GLFRSLQQAQ

ClinVar aggregate classification (germline): Uncertain significance (1 of 4 stars; one submission).

Allele frequency attached by ClinVar (database versions not stated): gnomAD 0.00001; gnomAD exomes 0.00001 and 0.00002; TOPMed 0.00001; ExAC 0.00002.
gnomAD v4.1: 31 of 1,613,582 alleles (0.0019%); highest among the groups gnomAD compares: Middle Eastern, 0.016%; no homozygotes.

Submission:

Labcorp Genetics (formerly Invitae), Labcorp
Classification: Uncertain significance. Last evaluated: 2021-08-27. Review status: criteria provided, single submitter. Criteria: Invitae Variant Classification Sherloc (09022015). Collection method: clinical testing. Allele origin: germline.
Comment: This sequence change replaces arginine with histidine at codon 1249 of the SZT2 protein (p.Arg1249His). The arginine residue is highly conserved and there is a small physicochemical difference between arginine and histidine. This variant is present in population databases (rs749624486, ExAC 0.003%). This variant has not been reported in the literature in individuals affected with SZT2-related conditions. Algorithms developed to predict the effect of missense changes on protein structure and function are either unavailable or do not agree on the potential impact of this missense change (SIFT: "Deleterious"; PolyPhen-2: "Probably Damaging"; Align-GVGD: "Class C0"). In summary, the available evidence is currently insufficient to determine the role of this variant in disease. Therefore, it has been classified as a Variant of Uncertain Significance.